The following is an entry in ClinVar:

NM_016111.4(TELO2):c.2315C>T (p.Ser772Leu)

Gene: TELO2 (telomere maintenance 2; plus strand). Cytogenetic location: 16p13.3.
Variant type: single nucleotide variant.
Coding change: c.2315C>T on transcript NM_016111.4 (MANE Select); coding-DNA position 2315, C replaced by T.
Protein change: p.Ser772Leu; replaces serine 772 with leucine.
Molecular consequence: missense variant.
Genome position (GRCh38, 1-based): chr16:1,507,624, C>T. VCF-style: chr16-1507624-C-T. GRCh37 (hg19) VCF-style: chr16-1557625-C-T.
Other names: c.2315C>T, p.Ser772Leu (NM_001351846.2); short protein forms S772L.
Identifiers: ClinVar variation 2214105 (VCV002214105.2), dbSNP rs771006115, ClinGen allele CA7812624.

ClinVar aggregate classification (germline): Uncertain significance (1 of 4 stars; one submission).

Conditions:
Inborn genetic diseases. Identifiers: MedGen C0950123, MeSH D030342.

Allele frequency attached by ClinVar (database versions not stated): gnomAD 0.00001; TOPMed 0.00003; ExAC 0.00005.
gnomAD v4.1: 44 of 1,595,180 alleles (0.0028%); highest among the groups gnomAD compares: East Asian, 0.011%; no homozygotes.

Submission:

Ambry Genetics
Classification: Uncertain significance for Inborn genetic diseases. Last evaluated: 2020-12-28. Review status: criteria provided, single submitter. Criteria: Ambry Variant Classification Scheme 2023. Collection method: clinical testing. Allele origin: germline.
Comment: The c.2315C>T (p.S772L) alteration is located in exon 20 (coding exon 19) of the TELO2 gene. This alteration results from a C to T substitution at nucleotide position 2315, causing the serine (S) at amino acid position 772 to be replaced by a leucine (L). The p.S772L alteration is predicted to be tolerated by in silico analysis. Based on insufficient or conflicting evidence, the clinical significance of this alteration remains unclear.